The following is an entry in ClinVar:

ClinVar aggregate classification (germline): Likely benign (1 of 4 stars; one submission).

Conditions:
Arrhythmogenic right ventricular cardiomyopathy (ARVD). Also called: Arrhythmogenic right ventricular dysplasia; Cardiomyopathy, ARVC; Arrhythmogenic cardiomyopathy; Arrhythmogenic Right Ventricular Cardiomyopathy (ARVC). Identifiers: Orphanet 247, MedGen C0349788, MeSH D019571, MONDO:0016587. Disease mechanism: loss of function. Inheritance: Various modes of inheritance.

Submission:

All of Us Research Program, National Institutes of Health
Classification: Likely benign for Arrhythmogenic right ventricular cardiomyopathy. Last evaluated: 2023-03-23. Review status: criteria provided, single submitter. Criteria: ACMG Guidelines, 2015. Collection method: clinical testing. Allele origin: germline. Inheritance: Autosomal dominant inheritance. Observed: 1 variant allele, 1 heterozygote.
Comment: This study involves interpretation of variants in research participants for the purpose of population health screening. Participant phenotype was not available at the time of variant classification. Additional details can be found in publication PMID: 35346344, PMCID: PMC8962531

NM_001943.5(DSG2):c.2058A>C (p.Gly686=)

Genes: DSG2 (desmoglein 2; plus strand), DSG2-AS1 (DSG2 antisense RNA 1; minus strand). Cytogenetic location: 18q12.1.
Variant type: single nucleotide variant.
Coding change: c.2058A>C on transcript NM_001943.5 (MANE Select); coding-DNA position 2058, A replaced by C.
Protein change: p.Gly686=; no amino-acid change (glycine 686 retained).
Molecular consequence: synonymous variant.
Genome position (GRCh38, 1-based): chr18:31,542,576, A>C. VCF-style: chr18-31542576-A-C. GRCh37 (hg19) VCF-style: chr18-29122539-A-C.
Identifiers: ClinVar variation 3069975 (VCV003069975.1), dbSNP rs2510920623, ClinGen allele CA503598160.